The following is an entry in ClinVar:

NM_016169.4(SUFU):c.442G>A (p.Val148Met)

Gene: SUFU (SUFU negative regulator of hedgehog signaling; plus strand). Cytogenetic location: 10q24.32.
Variant type: single nucleotide variant.
Coding change: c.442G>A on transcript NM_016169.4 (MANE Select); coding-DNA position 442, G replaced by A.
Protein change: p.Val148Met; replaces valine 148 with methionine.
Molecular consequence: missense variant.
Genome position (GRCh38, 1-based): chr10:102,550,094, G>A. VCF-style: chr10-102550094-G-A. GRCh37 (hg19) VCF-style: chr10-104309851-G-A.
Other names: c.442G>A, p.Val148Met (NM_001178133.2); short protein forms V148M.
Identifiers: ClinVar variation 1515701 (VCV001515701.11), dbSNP rs763813479, ClinGen allele CA5667674.

ClinVar aggregate classification (germline): Uncertain significance. Review status: criteria provided, multiple submitters, no conflicts (2 of 4 stars). 2 submissions from 2 submitters: Uncertain significance (2). Last evaluated 2026-03-16.

Conditions:
Gorlin syndrome. Also called: Basal cell nevus syndrome; Nevoid Basal Cell Carcinoma Syndrome. Identifiers: Orphanet 377, MedGen C0004779, MONDO:0007187.
Medulloblastoma (MDB). Also called: Medulloblastoma, somatic; MEDULLOBLASTOMA PREDISPOSITION SYNDROME. Identifiers: Orphanet 616, MedGen C0025149, MeSH D008527, MONDO:0007959, OMIM 155255, HP:0002885.
Hereditary cancer-predisposing syndrome. Also called: Tumor predisposition; Neoplastic Syndromes, Hereditary; Hereditary Cancer Syndrome; Hereditary neoplastic syndrome. Identifiers: Orphanet 140162, MedGen C0027672, MeSH D009386, MONDO:0015356.

Allele frequency attached by ClinVar (database versions not stated): TOPMed below 0.00001.
gnomAD v4.1: 8 of 1,614,166 alleles (0.0005%); highest among the groups gnomAD compares: Admixed American, 0.0017%; no homozygotes.

Submissions (2):

Ambry Genetics
Classification: Uncertain significance for Hereditary cancer-predisposing syndrome. Last evaluated: 2026-03-16. Review status: criteria provided, single submitter. Criteria: Ambry Variant Classification Scheme 2023. Collection method: clinical testing. Allele origin: germline.
Comment: The p.V148M variant (also known as c.442G>A), located in coding exon 3 of the SUFU gene, results from a G to A substitution at nucleotide position 442. The valine at codon 148 is replaced by methionine, an amino acid with highly similar properties. This variant was detected as heterozygous in individual(s) with no reported features of SUFU-related disorders (Ambry internal data). This amino acid position is highly conserved in available vertebrate species. In addition, this alteration is predicted to be deleterious by in silico analysis. Since supporting evidence is limited at this time, the clinical significance of this alteration remains unclear.

Labcorp Genetics (formerly Invitae), Labcorp
Classification: Uncertain significance for Gorlin syndrome; Medulloblastoma. Last evaluated: 2025-09-16. Review status: criteria provided, single submitter. Criteria: Invitae Variant Classification Sherloc (09022015). Collection method: clinical testing. Allele origin: germline.
Comment: This sequence change replaces valine, which is neutral and non-polar, with methionine, which is neutral and non-polar, at codon 148 of the SUFU protein (p.Val148Met). This variant is present in population databases (rs763813479, gnomAD 0.003%). This variant has not been reported in the literature in individuals affected with SUFU-related conditions. ClinVar contains an entry for this variant (Variation ID: 1515701). Invitae Evidence Modeling of protein sequence and biophysical properties (such as structural, functional, and spatial information, amino acid conservation, physicochemical variation, residue mobility, and thermodynamic stability) has been performed for this missense variant. However, the output from this modeling did not meet the statistical confidence thresholds required to predict the impact of this variant on SUFU protein function. In summary, the available evidence is currently insufficient to determine the role of this variant in disease. Therefore, it has been classified as a Variant of Uncertain Significance.